The following is an entry in ClinVar:

NM_021224.6(ZNF462):c.7058_7077del (p.Val2353fs)

Genes: ZNF462 (zinc finger protein 462; plus strand), LOC340512 (uncharacterized LOC340512; minus strand). Cytogenetic location: 9q31.2.
Variant type: Deletion.
Coding change: c.7058_7077del on transcript NM_021224.6 (MANE Select); coding-DNA positions 7058 to 7077, 20 bases deleted (TAAGCCGTAACTTTGAGCTG).
Protein change: p.Val2353fs; shifts the reading frame from valine 2353.
Molecular consequence: frameshift variant.
Genome position (GRCh38, 1-based): chr9:107,003,295-107,003,314, TAAGCCGTAACTTTGAGCTG deleted; deleting any 20 consecutive bases within chr9:107,003,294-107,003,314 gives the same sequence; the c. name uses the placement nearest the transcript's 3' end. VCF-style (leftmost placement, unchanged base first): chr9-107003293-GGTAAGCCGTAACTTTGAGCT-G. GRCh37 (hg19) VCF-style: chr9-109765574-GGTAAGCCGTAACTTTGAGCT-G.
Other names: c.4463_4482del, p.Val1488fs (NM_001347997.2); short protein forms V1488fs, V2353fs.
Identifiers: ClinVar variation 3062074 (VCV003062074.1), dbSNP rs2539821402, ClinGen allele CA2740095552.
Genomic context (GRCh38, chr9:107,003,293, plus strand): 5'-CAGGGAGAACCCCATTTGGTCTGCGGTTTATTATTCCATCATTTGTTTGGGCCTTTTTCA[GGTAAGCCGTAACTTTGAGCT>G]GGTTGGACGGGTTAACTTGGATCAGCTGGAACAGATGAAGGAGAAAATGGAGAGCTCCAG-3'

ClinVar aggregate classification (germline): Likely pathogenic (1 of 4 stars; one submission).

Conditions:
Weiss-Kruszka syndrome. Also called: Metopic ridging-ptosis-facial dysmorphism syndrome. Identifiers: Orphanet 502430, MedGen C5568107, MONDO:0032836, OMIM 618619.

Submission:

Illumina Laboratory Services, Illumina
Classification: Likely pathogenic for Weiss-Kruszka syndrome. Last evaluated: 2019-03-27. Review status: criteria provided, single submitter. Criteria: ICSLVariantClassificationCriteria RUGD 01 April 2020. Collection method: clinical testing. Allele origin: unknown.
Comment: The ZNF462 c.7058_7077delTAAGCCGTAACTTTGAGCTG (p.Val2353GlyfsTer5) variant results in a frameshift and is predicted to result in premature termination of the protein. A literature search was performed for the gene, cDNA, and amino acid change. No publications were found based on this search. This variant is not found in the Genome Aggregation Database. Based on its rarity and identification in a de novo state, the c.7058_7077delTAAGCCGTAACTTTGAGCTG (p.Val2353GlyfsTer5) variant is classified as likely pathogenic for Weiss-Kruszka syndrome.